The following is an entry in ClinVar:

NM_001267550.2(TTN):c.29504A>G (p.Tyr9835Cys)

Gene: TTN (titin; minus strand). Cytogenetic location: 2q31.2.
Variant type: single nucleotide variant.
Coding change: c.29504A>G on transcript NM_001267550.2 (MANE Select); coding-DNA position 29504, A replaced by G.
Protein change: p.Tyr9835Cys; replaces tyrosine 9835 with cysteine.
Molecular consequence: missense variant. On other transcripts: intron variant (3).
Genome position (GRCh38, 1-based): chr2:178,705,274, T>C on the plus strand (A>G on the coding strand, the complement: TTN is on the minus strand). VCF-style: chr2-178705274-T-C. GRCh37 (hg19) VCF-style: chr2-179570001-T-C.
Other names: c.28553A>G, p.Tyr9518Cys (NM_001256850.1); c.25772A>G, p.Tyr8591Cys (NM_133378.4); c.13282+32808A>G (NM_003319.4); c.13858+32808A>G (NM_133437.4); c.13657+32808A>G (NM_133432.3); short protein forms Y8591C, Y9518C, Y9835C.
Identifiers: ClinVar variation 4847720 (VCV004847720.1).

ClinVar aggregate classification (germline): Uncertain significance (1 of 4 stars; one submission).

gnomAD v4.1: 3 of 1,613,510 alleles (0.00019%); highest among the groups gnomAD compares: East Asian, 0.0045%; no homozygotes.

Submission:

Women's Health and Genetics/Laboratory Corporation of America, LabCorp
Classification: Uncertain significance. Last evaluated: 2026-03-24. Review status: criteria provided, single submitter. Criteria: LabCorp Variant Classification Summary - May 2015. Collection method: clinical testing. Allele origin: germline.
Comment: Variant summary: TTN c.25772A>G (p.Tyr8591Cys) results in a non-conservative amino acid change in the encoded protein sequence. Algorithms developed to predict the effect of missense changes on protein structure and function all suggest that this variant is likely to be disruptive. The variant allele was found at a frequency of 8e-06 in 248600 control chromosomes. The available data on variant occurrences in the general population are insufficient to allow any conclusion about variant significance. To our knowledge, no occurrence of c.25772A>G in individuals affected with TTN-related conditions and no experimental evidence demonstrating its impact on protein function have been reported. No submitters have cited clinical-significance assessments for this variant to ClinVar. Based on the evidence outlined above, the variant was classified as uncertain significance.